The following is an entry in ClinVar:

NM_001369623.2(PI4KB):c.767C>T (p.Ser256Phe)

Gene: PI4KB (phosphatidylinositol 4-kinase beta; minus strand). Cytogenetic location: 1q21.3.
Variant type: single nucleotide variant.
Coding change: c.767C>T on transcript NM_001369623.2 (MANE Select); coding-DNA position 767, C replaced by T.
Protein change: p.Ser256Phe; replaces serine 256 with phenylalanine.
Molecular consequence: missense variant. On other transcripts: intron variant (1).
Genome position (GRCh38, 1-based): chr1:151,315,715, G>A on the plus strand (C>T on the coding strand, the complement: PI4KB is on the minus strand). VCF-style: chr1-151315715-G-A. GRCh37 (hg19) VCF-style: chr1-151288191-G-A.
Other names: c.767C>T, p.Ser256Phe (NM_001198773.3, NM_001198774.2, NM_001330721.2 and 3 more transcripts); c.803C>T, p.Ser268Phe (NM_001369625.1, NM_001369628.1, NM_002651.4); c.-42-7914C>T (NM_001198775.3); short protein forms S256F, S268F.
Identifiers: ClinVar variation 3345009 (VCV003345009.1).

ClinVar aggregate classification (germline): Uncertain significance (0 of 4 stars; one submission).

Conditions:
PI4KB-related disorder. Also called: PI4KB-related condition.

Submission:

PreventionGenetics, part of Exact Sciences
Classification: Uncertain significance for PI4KB-related condition. Last evaluated: 2024-05-02. Review status: no assertion criteria provided. Collection method: clinical testing. Allele origin: germline.
Comment: The PI4KB c.803C>T variant is predicted to result in the amino acid substitution p.Ser268Phe. To our knowledge, this variant has not been reported in the literature or in a large population database, indicating this variant is rare. At this time, the clinical significance of this variant is uncertain due to the absence of conclusive functional and genetic evidence.